The following is an entry in ClinVar:

ClinVar aggregate classification (germline): Uncertain significance (1 of 4 stars; one submission).

Allele frequency attached by ClinVar (database versions not stated): gnomAD exomes below 0.00001.
gnomAD v4.1: 1 of 1,613,822 alleles (0.000062%); highest among the groups gnomAD compares: African/African-American, 0.0013%; no homozygotes.

Submission:

Labcorp Genetics (formerly Invitae), Labcorp
Classification: Uncertain significance. Last evaluated: 2022-04-22. Review status: criteria provided, single submitter. Criteria: Invitae Variant Classification Sherloc (09022015). Collection method: clinical testing. Allele origin: germline.
Comment: This variant has not been reported in the literature in individuals affected with C2CD3-related conditions. Algorithms developed to predict the effect of missense changes on protein structure and function are either unavailable or do not agree on the potential impact of this missense change (SIFT: "Deleterious"; PolyPhen-2: "Benign"; Align-GVGD: "Class C0"). In summary, the available evidence is currently insufficient to determine the role of this variant in disease. Therefore, it has been classified as a Variant of Uncertain Significance. This variant is not present in population databases (gnomAD no frequency). This sequence change replaces asparagine, which is neutral and polar, with lysine, which is basic and polar, at codon 386 of the C2CD3 protein (p.Asn386Lys).

NM_001286577.2(C2CD3):c.1158T>A (p.Asn386Lys)

Gene: C2CD3 (C2 domain containing 3 centriole elongation regulator; minus strand). Cytogenetic location: 11q13.4.
Variant type: single nucleotide variant.
Coding change: c.1158T>A on transcript NM_001286577.2 (MANE Select); coding-DNA position 1158, T replaced by A.
Protein change: p.Asn386Lys; replaces asparagine 386 with lysine.
Molecular consequence: missense variant.
Genome position (GRCh38, 1-based): chr11:74,132,903, A>T on the plus strand (T>A on the coding strand, the complement: C2CD3 is on the minus strand). VCF-style: chr11-74132903-A-T. GRCh37 (hg19) VCF-style: chr11-73843948-A-T.
Other names: c.1158T>A, p.Asn386Lys (NM_015531.6); short protein forms N386K.
Identifiers: ClinVar variation 2129425 (VCV002129425.4), dbSNP rs2496577023, ClinGen allele CA381814084.